The following is an entry in ClinVar:

NM_000540.3(RYR1):c.15022-1G>A

Gene: RYR1 (ryanodine receptor 1; plus strand). Cytogenetic location: 19q13.2.
Variant type: single nucleotide variant.
Coding change: c.15022-1G>A on transcript NM_000540.3 (MANE Select); the canonical splice acceptor site of the intron before coding-DNA position 15022, G replaced by A.
Molecular consequence: splice acceptor variant.
Genome position (GRCh38, 1-based): chr19:38,587,324, G>A. VCF-style: chr19-38587324-G-A. GRCh37 (hg19) VCF-style: chr19-39077964-G-A.
Other names: c.15007-1G>A (NM_001042723.2).
Identifiers: ClinVar variation 4773388 (VCV004773388.1).

ClinVar aggregate classification (germline): Uncertain significance (1 of 4 stars; one submission).

Conditions:
RYR1-related disorder. Also called: RYR1-related condition; RYR1-related disorders. Identifiers: MedGen CN239331.

Submission:

Labcorp Genetics (formerly Invitae), Labcorp
Classification: Uncertain significance for RYR1-related disorder. Last evaluated: 2025-05-04. Review status: criteria provided, single submitter. Criteria: Invitae Variant Classification Sherloc (09022015). Collection method: clinical testing. Allele origin: germline.
Comment: This sequence change affects an acceptor splice site in intron 105 of the RYR1 gene. While this variant is not anticipated to result in nonsense mediated decay, it likely alters RNA splicing and results in a disrupted protein product. This variant is not present in population databases (gnomAD no frequency). This variant has not been reported in the literature in individuals affected with RYR1-related conditions. Variants that disrupt the consensus splice site are a relatively common cause of aberrant splicing (PMID: 17576681, 9536098). Algorithms developed to predict the effect of sequence changes on RNA splicing suggest that this variant may disrupt the consensus splice site. In summary, the available evidence is currently insufficient to determine the role of this variant in disease. Therefore, it has been classified as a Variant of Uncertain Significance.

Literature cited by the submitters: PubMed 17576681; PubMed 9536098.